The following is an entry in ClinVar:

NM_000489.6(ATRX):c.6622T>C (p.Tyr2208His)

Gene: ATRX (ATRX chromatin remodeler; minus strand). Cytogenetic location: Xq21.1.
Variant type: single nucleotide variant.
Coding change: c.6622T>C on transcript NM_000489.6 (MANE Select); coding-DNA position 6622, T replaced by C.
Protein change: p.Tyr2208His; replaces tyrosine 2208 with histidine.
Molecular consequence: missense variant.
Genome position (GRCh38, 1-based): chrX:77,557,528, A>G on the plus strand (T>C on the coding strand, the complement: ATRX is on the minus strand). VCF-style: chrX-77557528-A-G. GRCh37 (hg19) VCF-style: chrX-76812999-A-G.
Other names: c.6508T>C, p.Tyr2170His (NM_138270.5); short protein forms Y2170H, Y2208H.
Identifiers: ClinVar variation 4055898 (VCV004055898.1).

ClinVar aggregate classification (germline): Uncertain significance (1 of 4 stars; one submission).

Submission:

GeneDx
Classification: Uncertain significance. Last evaluated: 2024-12-29. Review status: criteria provided, single submitter. Criteria: GeneDx Variant Classification Process June 2021. Collection method: clinical testing. Allele origin: germline. Affected: yes.
Comment: Not observed at significant frequency in large population cohorts (gnomAD); In silico analysis supports that this missense variant has a deleterious effect on protein structure/function; Has not been previously published as pathogenic or benign to our knowledge